The following is an entry in ClinVar:

NM_015335.5(MED13L):c.2605C>A (p.Pro869Thr)

Gene: MED13L (mediator complex subunit 13L; minus strand). Cytogenetic location: 12q24.21.
Variant type: single nucleotide variant.
Coding change: c.2605C>A on transcript NM_015335.5 (MANE Select); coding-DNA position 2605, C replaced by A.
Protein change: p.Pro869Thr; replaces proline 869 with threonine.
Molecular consequence: missense variant.
Genome position (GRCh38, 1-based): chr12:115,997,195, G>T on the plus strand (C>A on the coding strand, the complement: MED13L is on the minus strand). VCF-style: chr12-115997195-G-T. GRCh37 (hg19) VCF-style: chr12-116435000-G-T.
Other names: short protein forms P869T.
Identifiers: ClinVar variation 391487 (VCV000391487.2), dbSNP rs1057524103, ClinGen allele CA16607106.
Genomic context (GRCh38, chr12:115,997,195, plus strand): 5'-AGCTGATCCCATCTTTATAATTCATCACAGGAGAAAATGCAGGATGCTGTTCCAAAGATG[G>T]TGGAGTGGGAAACATCCTTTGCAAGTCTGCAACTGCTAAAAATAAGAAATAAAAAAAATT-3'
Protein context (NP_056150.1, residues 859-879): ADLQRMFPTP[Pro869Thr]SLEQHPAFSP

ClinVar aggregate classification (germline): Likely pathogenic (1 of 4 stars; one submission).

Submission:

GeneDx
Classification: Likely pathogenic. Last evaluated: 2018-02-23. Review status: criteria provided, single submitter. Criteria: GeneDx Variant Classification (06012015). Collection method: clinical testing. Allele origin: germline. Affected: yes.
Comment: The P869T variant in the MED13L gene has not been reported previously as a pathogenic variant,nor as a benign variant, to our knowledge. The P869T variant was not observed in approximately6500 individuals of European and African American ancestry in the NHLBI Exome SequencingProject, indicating it is not a common benign variant in these populations. The P869T variant is anon-conservative amino acid substitution, which is likely to impact secondary protein structure asthese residues differ in polarity, charge, size and/or other properties. This substitution occurs at aposition that is conserved across species and in silico analysis predicts this variant is probablydamaging to the protein structure/function. The P869T variant is a strong candidate for a pathogenicvariant.